The following is an entry in ClinVar:

ClinVar aggregate classification (germline): Pathogenic/Likely pathogenic. Review status: criteria provided, multiple submitters, no conflicts (2 of 4 stars). 3 submissions from 3 submitters: Pathogenic (1); Likely pathogenic (2). Last evaluated 2022-12-25.

Conditions:
Autosomal dominant nonsyndromic hearing loss 1. Also called: KONIGSMARK SYNDROME; DEAFNESS, AUTOSOMAL DOMINANT 1, WITH OR WITHOUT THROMBOCYTOPENIA. Identifiers: Orphanet 90635, MedGen C1852282, MONDO:0007424, OMIM 124900.
Progressive microcephaly-seizures-cortical blindness-developmental delay syndrome. Also called: Seizures, cortical blindness, and microcephaly syndrome. Identifiers: Orphanet 477814, MedGen C5567650, MONDO:0014714, OMIM 616632.
Hearing impairment. Also called: Impaired Hearing. Identifiers: MedGen C1384666, MONDO:0005365, HP:0000365.

Submissions (3):

Labcorp Genetics (formerly Invitae), Labcorp
Classification: Pathogenic for Progressive microcephaly-seizures-cortical blindness-developmental delay syndrome; Autosomal dominant nonsyndromic hearing loss 1. Last evaluated: 2022-12-25. Review status: criteria provided, single submitter. Criteria: Invitae Variant Classification Sherloc (09022015). Collection method: clinical testing. Allele origin: germline.
Comment: ClinVar contains an entry for this variant (Variation ID: 493417). For these reasons, this variant has been classified as Pathogenic. This variant has not been reported in the literature in individuals affected with DIAPH1-related conditions. This variant is not present in population databases (gnomAD no frequency). This sequence change creates a premature translational stop signal (p.Met1090Asnfs*13) in the DIAPH1 gene. It is expected to result in an absent or disrupted protein product. Loss-of-function variants in DIAPH1 are known to be pathogenic (PMID: 24781755, 26463574).

Department of Otolaryngology – Head & Neck Surgery, Cochlear Implant Center
Classification: Likely pathogenic for Hearing impairment. Last evaluated: 2021-04-12. Review status: criteria provided, single submitter. Criteria: ClinGen HL ACMG Specifications v1. Collection method: clinical testing. Allele origin: germline. Affected: yes.
Comment: PVS1_Strong, PM2_Moderate

CeGaT Center for Human Genetics Tuebingen
Classification: Likely pathogenic. Last evaluated: 2017-10-01. Review status: criteria provided, single submitter. Criteria: CeGaT Center For Human Genetics Tuebingen Variant Classification Criteria Version 2. Collection method: clinical testing. Allele origin: germline. Affected: yes. Observed: 1 variant allele.

Literature cited by the submitters: PubMed 24781755 (cited by Labcorp Genetics (formerly Invitae), Labcorp); PubMed 26463574 (cited by Labcorp Genetics (formerly Invitae), Labcorp).

NM_005219.5(DIAPH1):c.3268dup (p.Met1090fs)

Gene: DIAPH1 (diaphanous related formin 1; minus strand). Cytogenetic location: 5q31.3.
Variant type: Duplication.
Coding change: c.3268dup on transcript NM_005219.5 (MANE Select); coding-DNA position 3268, one base duplicated (A; older notation c.3268dupA).
Protein change: p.Met1090fs; shifts the reading frame from methionine 1090.
Molecular consequence: frameshift variant.
Genome position (GRCh38, 1-based): chr5:141,527,578, T duplicated on the plus strand (A on the coding strand, the reverse complement: DIAPH1 is on the minus strand); the first of 6 consecutive T bases (chr5:141,527,578-141,527,583); duplicating any one gives the same sequence. VCF-style (leftmost placement, unchanged base first): chr5-141527577-A-AT. GRCh37 (hg19) VCF-style: chr5-140907144-A-AT.
Other names: c.3241dup, p.Met1081fs (NM_001079812.3); c.3268dup, p.Met1090fs (NM_001314007.2); short protein forms M1081fs, M1090fs.
Identifiers: ClinVar variation 493417 (VCV000493417.49), dbSNP rs1235751512, ClinGen allele CA658683431.